The following is an entry in ClinVar:

ClinVar aggregate classification (germline): Conflicting classifications of pathogenicity. Review status: criteria provided, conflicting classifications (1 of 4 stars). 2 submissions from 2 submitters: Uncertain significance (1); Likely benign (1). Last evaluated 2025-03-01.

Allele frequency attached by ClinVar (database versions not stated): gnomAD exomes below 0.00001.

Submissions (2):

Labcorp Genetics (formerly Invitae), Labcorp
Classification: Uncertain significance. Last evaluated: 2025-03-01. Review status: criteria provided, single submitter. Criteria: Invitae Variant Classification Sherloc (09022015). Collection method: clinical testing. Allele origin: germline.
Comment: This sequence change falls in intron 7 of the ALAS2 gene. It does not directly change the encoded amino acid sequence of the ALAS2 protein. It affects a nucleotide within the consensus splice site. This variant is not present in population databases (gnomAD no frequency). This variant has not been reported in the literature in individuals affected with ALAS2-related conditions. ClinVar contains an entry for this variant (Variation ID: 387958). Variants that disrupt the consensus splice site are a relatively common cause of aberrant splicing (PMID: 17576681, 9536098). Algorithms developed to predict the effect of sequence changes on RNA splicing suggest that this variant is not likely to affect RNA splicing. In summary, the available evidence is currently insufficient to determine the role of this variant in disease. Therefore, it has been classified as a Variant of Uncertain Significance.

GeneDx
Classification: Likely benign. Last evaluated: 2016-08-02. Review status: criteria provided, single submitter. Criteria: GeneDx Variant Classification (06012015). Collection method: clinical testing. Allele origin: germline. Affected: yes.
Comment: This variant is considered likely benign or benign based on one or more of the following criteria: it is a conservative change, it occurs at a poorly conserved position in the protein, it is predicted to be benign by multiple in silico algorithms, and/or has population frequency not consistent with disease.

Literature cited by the submitters: PubMed 17576681 (cited by Labcorp Genetics (formerly Invitae), Labcorp); PubMed 9536098 (cited by Labcorp Genetics (formerly Invitae), Labcorp).

NM_000032.5(ALAS2):c.1003+4T>C

Gene: ALAS2 (5'-aminolevulinate synthase 2; minus strand). Cytogenetic location: Xp11.21.
Variant type: single nucleotide variant.
Coding change: c.1003+4T>C on transcript NM_000032.5 (MANE Select); 4 bases into the intron after coding-DNA position 1003, T replaced by C.
Molecular consequence: intron variant.
Genome position (GRCh38, 1-based): chrX:55,017,482, A>G on the plus strand (T>C on the coding strand, the complement: ALAS2 is on the minus strand). VCF-style: chrX-55017482-A-G. GRCh37 (hg19) VCF-style: chrX-55043915-A-G.
Other names: c.1003+4T>C (LRG_1163t1); c.892+4T>C (NM_001037967.4); c.964+4T>C (NM_001037968.4).
Identifiers: ClinVar variation 387958 (VCV000387958.4), dbSNP rs1057522963, ClinGen allele CA16609201.